The following is an entry in ClinVar:

ClinVar aggregate classification (germline): Uncertain significance. Review status: criteria provided, multiple submitters, no conflicts (2 of 4 stars). 2 submissions from 2 submitters: Uncertain significance (2). Last evaluated 2025-12-24.

Conditions:
Dilated cardiomyopathy 1G (CMD1G). Identifiers: Orphanet 154, MedGen C1858763, MONDO:0011400, OMIM 604145.
Autosomal recessive limb-girdle muscular dystrophy type 2J (LGMDR10). Also called: MUSCULAR DYSTROPHY, LIMB-GIRDLE, AUTOSOMAL RECESSIVE 10; Limb-girdle muscular dystrophy, type 2J. Identifiers: Orphanet 140922, MedGen C1837342, MONDO:0012127, OMIM 608807.

Allele frequency attached by ClinVar (database versions not stated): gnomAD 0.00001; TOPMed 0.00001.
gnomAD v4.1: 8 of 1,613,760 alleles (0.0005%); highest among the groups gnomAD compares: Admixed American, 0.013%; no homozygotes.

Submissions (2):

Labcorp Genetics (formerly Invitae), Labcorp
Classification: Uncertain significance for Dilated cardiomyopathy 1G; Autosomal recessive limb-girdle muscular dystrophy type 2J. Last evaluated: 2025-12-24. Review status: criteria provided, single submitter. Criteria: Invitae Variant Classification Sherloc (09022015). Collection method: clinical testing. Allele origin: germline.
Comment: This sequence change replaces alanine, which is neutral and non-polar, with aspartic acid, which is acidic and polar, at codon 34825 of the TTN protein (p.Ala34825Asp). This variant is present in population databases (rs766157074, gnomAD 0.01%). This variant has not been reported in the literature in individuals affected with TTN-related conditions. ClinVar contains an entry for this variant (Variation ID: 203081). Experimental studies and prediction algorithms are not available or were not evaluated, and the functional significance of this variant is currently unknown. This variant is located in the M band of TTN (PMID: 25589632). Non-truncating variants in this region may be relevant for neuromuscular disorders, but have not been definitively shown to cause cardiomyopathy (PMID: 23975875). In summary, the available evidence is currently insufficient to determine the role of this variant in disease. Therefore, it has been classified as a Variant of Uncertain Significance.

GeneDx
Classification: Uncertain significance. Last evaluated: 2019-10-15. Review status: criteria provided, single submitter. Criteria: GeneDx Variant Classification Process June 2021. Collection method: clinical testing. Allele origin: germline. Affected: yes.
Comment: Not observed at a significant frequency in large population cohorts (Lek et al., 2016); Missense variant in a gene in which most reported pathogenic variants are truncating/loss-of-function; Has not been previously published as pathogenic or benign to our knowledge; In silico analysis, which includes splice predictors and evolutionary conservation, supports that this variant does not alter protein structure/function

Literature cited by the submitters: PubMed 25589632 (cited by Labcorp Genetics (formerly Invitae), Labcorp); PubMed 23975875 (cited by Labcorp Genetics (formerly Invitae), Labcorp).

NM_001267550.2(TTN):c.104474C>A (p.Ala34825Asp)

Genes: TTN-AS1 (TTN antisense RNA 1; plus strand), TTN (titin; minus strand). Cytogenetic location: 2q31.2.
Variant type: single nucleotide variant.
Coding change: c.104474C>A on transcript NM_001267550.2 (MANE Select); coding-DNA position 104474, C replaced by A.
Protein change: p.Ala34825Asp; replaces alanine 34825 with aspartic acid.
Molecular consequence: missense variant.
Genome position (GRCh38, 1-based): chr2:178,532,141, G>T on the plus strand (C>A on the coding strand, the complement: TTN is on the minus strand). VCF-style: chr2-178532141-G-T. GRCh37 (hg19) VCF-style: chr2-179396868-G-T.
Other names: p.A33184D:GCT>GAT; c.99551C>A, p.Ala33184Asp (NM_001256850.1); c.77279C>A, p.Ala25760Asp (NM_003319.4); c.96770C>A, p.Ala32257Asp (NM_133378.4); c.77654C>A, p.Ala25885Asp (NM_133432.3); c.77855C>A, p.Ala25952Asp (NM_133437.4); short protein forms A33184D, A34825D, A25952D, A32257D, A25760D, A25885D.
Identifiers: ClinVar variation 203081 (VCV000203081.8), dbSNP rs766157074, ClinGen allele CA311181.
Genomic context (GRCh38, chr2:178,532,141, plus strand): 5'-GGAGACAGGGAGCGCCGTCGTCTCAGTAGTCTAGACGCAGATGAGGATGATTCTCTTTGA[G>T]CATGTTTTGAGATTTCGTATTCTTCCTCAATTTCTGTTATTTCTGTCACTTCTCTTTGTC-3'
Protein context (NP_001254479.2, residues 34815-34835): IEEEYEISKH[Ala34825Asp]QRESSSSASR